The following is an entry in ClinVar:

NM_153252.5(BRWD3):c.4006G>C (p.Gly1336Arg)

Gene: BRWD3 (bromodomain and WD repeat domain containing 3; minus strand). Cytogenetic location: Xq21.1.
Variant type: single nucleotide variant.
Coding change: c.4006G>C on transcript NM_153252.5 (MANE Select); coding-DNA position 4006, G replaced by C.
Protein change: p.Gly1336Arg; replaces glycine 1336 with arginine.
Molecular consequence: missense variant.
Genome position (GRCh38, 1-based): chrX:80,685,536, C>G on the plus strand (G>C on the coding strand, the complement: BRWD3 is on the minus strand). VCF-style: chrX-80685536-C-G. GRCh37 (hg19) VCF-style: chrX-79941035-C-G.
Other names: short protein forms G1336R.
Identifiers: ClinVar variation 2662992 (VCV002662992.1), dbSNP rs2520219477, ClinGen allele CA413612722.

ClinVar aggregate classification (germline): Uncertain significance (1 of 4 stars; one submission).

Submission:

GeneDx
Classification: Uncertain significance. Last evaluated: 2023-05-12. Review status: criteria provided, single submitter. Criteria: GeneDx Variant Classification Process June 2021. Collection method: clinical testing. Allele origin: germline. Affected: yes.
Comment: Not observed at significant frequency in large population cohorts (gnomAD); In silico analysis supports that this missense variant has a deleterious effect on splicing; In silico analysis supports that this missense variant does not alter protein structure/function; Has not been previously published as pathogenic or benign to our knowledge